The following is an entry in ClinVar:

ClinVar aggregate classification (germline): Uncertain significance (1 of 4 stars; one submission).

Conditions:
Waardenburg syndrome type 1 (WS1). Also called: Waardenburg Syndrome Type I; WAARDENBURG SYNDROME WITH DYSTOPIA CANTHORUM. Identifiers: Orphanet 894, MedGen C1847800, MONDO:0008670, OMIM 193500.

Submission:

3billion
Classification: Uncertain significance for Waardenburg syndrome type 1. Last evaluated: 2025-12-05. Review status: criteria provided, single submitter. Criteria: ACMG Guidelines, 2015. Collection method: clinical testing. Allele origin: germline. Affected: yes.
Comment: The variant is not observed in the gnomAD v4.1.0 dataset. Predicted Consequence/Location: Missense variant In silico tool predictions suggest damaging effect of the variant on gene or gene product [REVEL: 0.96 (>=0.6, sensitivity 0.68 and specificity 0.92); 3Cnet: 0.99 (> 0.75, sensitivity 0.96 and precision 0.92)]. Different missense changes at the same codon (p.Ile72Phe, p.Ile72Val) have been reported as pathogenic/likely pathogenic with strong evidence (ClinVar ID: VCV003601573, VCV003601574). Therefore, this variant is classified as VUS according to the recommendation of ACMG/AMP guideline.

NM_181458.4(PAX3):c.215T>A (p.Ile72Asn)

Gene: PAX3 (paired box 3; minus strand). Cytogenetic location: 2q36.1.
Variant type: single nucleotide variant.
Coding change: c.215T>A on transcript NM_181458.4 (MANE Select); coding-DNA position 215, T replaced by A.
Protein change: p.Ile72Asn; replaces isoleucine 72 with asparagine.
Molecular consequence: missense variant.
Genome position (GRCh38, 1-based): chr2:222,297,084, A>T on the plus strand (T>A on the coding strand, the complement: PAX3 is on the minus strand). VCF-style: chr2-222297084-A-T. GRCh37 (hg19) VCF-style: chr2-223161803-A-T.
Other names: c.215T>A, p.Ile72Asn (NM_000438.6, NM_001127366.3, NM_013942.5 and 4 more transcripts); short protein forms I72N.
Identifiers: ClinVar variation 4854543 (VCV004854543.1).